The following is an entry in ClinVar:

NM_004963.4(GUCY2C):c.1711-3C>T

Gene: GUCY2C (guanylate cyclase 2C; minus strand). Cytogenetic location: 12p12.3.
Variant type: single nucleotide variant.
Coding change: c.1711-3C>T on transcript NM_004963.4 (MANE Select); 3 bases into the intron before coding-DNA position 1711, C replaced by T.
Molecular consequence: intron variant.
Genome position (GRCh38, 1-based): chr12:14,645,318, G>A on the plus strand (C>T on the coding strand, the complement: GUCY2C is on the minus strand). VCF-style: chr12-14645318-G-A. GRCh37 (hg19) VCF-style: chr12-14798252-G-A.
Identifiers: ClinVar variation 1444879 (VCV001444879.7), dbSNP rs200276263, ClinGen allele CA233197258.

ClinVar aggregate classification (germline): Conflicting classifications of pathogenicity. Review status: criteria provided, conflicting classifications (1 of 4 stars). 2 submissions from 2 submitters: Uncertain significance (1); Likely benign (1). Last evaluated 2025-12-01.

Allele frequency attached by ClinVar (database versions not stated): gnomAD 0.00001 and 0.00003; gnomAD exomes 0.00002; TOPMed 0.00006.
gnomAD v4.1: 91 of 1,490,540 alleles (0.0061%); highest among the groups gnomAD compares: Non-Finnish European, 0.0083%; no homozygotes.

Submissions (2):

Labcorp Genetics (formerly Invitae), Labcorp
Classification: Uncertain significance. Last evaluated: 2025-12-01. Review status: criteria provided, single submitter. Criteria: Invitae Variant Classification Sherloc (09022015). Collection method: clinical testing. Allele origin: germline.
Comment: This sequence change falls in intron 15 of the GUCY2C gene. It does not directly change the encoded amino acid sequence of the GUCY2C protein. It affects a nucleotide within the consensus splice site. This variant is present in population databases (rs200276263, gnomAD 0.005%). This variant has not been reported in the literature in individuals affected with GUCY2C-related conditions. ClinVar contains an entry for this variant (Variation ID: 1444879). Variants that disrupt the consensus splice site are a relatively common cause of aberrant splicing (PMID: 17576681, 9536098). Algorithms developed to predict the effect of sequence changes on RNA splicing suggest that this variant is not likely to affect RNA splicing. In summary, the available evidence is currently insufficient to determine the role of this variant in disease. Therefore, it has been classified as a Variant of Uncertain Significance.

Blueprint Genetics
Classification: Likely benign. Last evaluated: 2024-09-16. Review status: criteria provided, single submitter. Criteria: ACMG Guidelines, 2015. Collection method: clinical testing. Allele origin: germline.

Literature cited by the submitters: PubMed 17576681 (cited by Labcorp Genetics (formerly Invitae), Labcorp); PubMed 9536098 (cited by Labcorp Genetics (formerly Invitae), Labcorp).